The following is an entry in ClinVar:

ClinVar aggregate classification (germline): Uncertain significance (1 of 4 stars; one submission).

Conditions:
Familial acute necrotizing encephalopathy (IIAE3). Also called: ENCEPHALOPATHY, ACUTE, INFECTION-INDUCED, SUSCEPTIBILITY TO, 3; Susceptibility to Acute Necrotizing Encephalopathy 1. Identifiers: Orphanet 88619, MedGen C2675556, MONDO:0011953, OMIM 608033.

Allele frequency attached by ClinVar (database versions not stated): gnomAD exomes below 0.00001.
gnomAD v4.1: 2 of 1,614,110 alleles (0.00012%); highest among the groups gnomAD compares: Non-Finnish European, 0.00017%; no homozygotes.

Submission:

Labcorp Genetics (formerly Invitae), Labcorp
Classification: Uncertain significance for Familial acute necrotizing encephalopathy. Last evaluated: 2020-11-21. Review status: criteria provided, single submitter. Criteria: Invitae Variant Classification Sherloc (09022015). Collection method: clinical testing. Allele origin: germline.
Comment: This sequence change replaces lysine with arginine at codon 1085 of the RANBP2 protein (p.Lys1085Arg). The lysine residue is highly conserved and there is a small physicochemical difference between lysine and arginine. This variant is not present in population databases (ExAC no frequency). This variant has not been reported in the literature in individuals with RANBP2-related conditions. Algorithms developed to predict the effect of missense changes on protein structure and function are either unavailable or do not agree on the potential impact of this missense change (SIFT: "Deleterious"; PolyPhen-2: "Benign"; Align-GVGD: "Class C25"). In summary, the available evidence is currently insufficient to determine the role of this variant in disease. Therefore, it has been classified as a Variant of Uncertain Significance.

NM_006267.5(RANBP2):c.3254A>G (p.Lys1085Arg)

Gene: RANBP2 (RAN binding protein 2; plus strand). Cytogenetic location: 2q13.
Variant type: single nucleotide variant.
Coding change: c.3254A>G on transcript NM_006267.5 (MANE Select); coding-DNA position 3254, A replaced by G.
Protein change: p.Lys1085Arg; replaces lysine 1085 with arginine.
Molecular consequence: missense variant.
Genome position (GRCh38, 1-based): chr2:108,763,793, A>G. VCF-style: chr2-108763793-A-G. GRCh37 (hg19) VCF-style: chr2-109380249-A-G.
Other names: short protein forms K1085R.
Identifiers: ClinVar variation 1017570 (VCV001017570.9), dbSNP rs1447229212, ClinGen allele CA348061138.